The following is an entry in ClinVar:

ClinVar aggregate classification (germline): Likely pathogenic. Review status: criteria provided, multiple submitters, no conflicts (2 of 4 stars). 2 submissions from 2 submitters: Likely pathogenic (2). Last evaluated 2026-04-14.

Conditions:
Familial intrahepatic cholestasis. Identifiers: Orphanet 284385, MedGen CN296401, MONDO:0017290.

Submissions (2):

Genomenon, Inc
Classification: Likely pathogenic for Familial intrahepatic cholestasis. Last evaluated: 2026-04-14. Review status: criteria provided, single submitter. Criteria: Genomenon Sequence Variant Interpretation Standards - Updated. Collection method: curation. Allele origin: germline. Affected: yes.
Comment: ABCB4 c.2064+3A>T is an intronic variant located in the donor splice region of intron 16. This variant has been observed in at least one proband with an ABCB4-related disorder (PMID:37471416;30284531). The variant was found to segregate with disease in at least one affected family (PMID:30284531). It has been observed in trans with a pathogenic or likely pathogenic variant (PMID:37471416). At least one splicing study demonstrated this variant results in aberrant splicing (PMID:34906502;30284531). It is absent or not present at a significant frequency in gnomAD. In conclusion, we classify ABCB4 c.2064+3A>T as a likely pathogenic variant.

Center for Genomic Medicine, Rigshospitalet, Copenhagen University Hospital
Classification: Likely pathogenic. Last evaluated: 2025-03-04. Review status: criteria provided, single submitter. Criteria: ACMG Guidelines, 2015. Collection method: clinical testing. Allele origin: germline.

Literature cited by the submitters: PubMed 37471416 (cited by Genomenon, Inc); PubMed 30284531 (cited by Genomenon, Inc); PubMed 34906502 (cited by Genomenon, Inc and Center for Genomic Medicine, Rigshospitalet, Copenhagen University Hospital); PubMed 33726816 (cited by Center for Genomic Medicine, Rigshospitalet, Copenhagen University Hospital).

NM_000443.4(ABCB4):c.2064+3A>T

Gene: ABCB4 (ATP binding cassette subfamily B member 4; minus strand). Cytogenetic location: 7q21.12.
Variant type: single nucleotide variant.
Coding change: c.2064+3A>T on transcript NM_000443.4 (MANE Select); 3 bases into the intron after coding-DNA position 2064, A replaced by T.
Molecular consequence: intron variant.
Genome position (GRCh38, 1-based): chr7:87,426,747, T>A on the plus strand (A>T on the coding strand, the complement: ABCB4 is on the minus strand). VCF-style: chr7-87426747-T-A. GRCh37 (hg19) VCF-style: chr7-87056063-T-A.
Other names: c.2064+3A>T (NM_018850.3, NM_018849.3).
Identifiers: ClinVar variation 2692115 (VCV002692115.3), dbSNP rs757878946, ClinGen allele CA2695208001.